The following is an entry in ClinVar:

ClinVar aggregate classification (germline): Uncertain significance. Review status: criteria provided, multiple submitters, no conflicts (2 of 4 stars). 2 submissions from 2 submitters: Uncertain significance (2). Last evaluated 2024-11-10.

Conditions:
Inborn genetic diseases. Identifiers: MedGen C0950123, MeSH D030342.
Hereditary sensory and autonomic neuropathy type 7. Also called: HSAN VII; Neuropathy, hereditary sensory and autonomic, type VII. Identifiers: Orphanet 391397, MedGen C3809882, MONDO:0014244, OMIM 615548.
Familial episodic pain syndrome with predominantly lower limb involvement. Also called: Episodic pain syndrome, familial, 3. Identifiers: Orphanet 391384, Orphanet 391392, MedGen C3809899, MONDO:0014247, OMIM 615552.

gnomAD v4.1: 2 of 1,613,906 alleles (0.00012%); highest among the groups gnomAD compares: Admixed American, 0.0017%; no homozygotes.

Submissions (2):

Ambry Genetics
Classification: Uncertain significance for Inborn genetic diseases. Last evaluated: 2024-11-10. Review status: criteria provided, single submitter. Criteria: Ambry Variant Classification Scheme 2023. Collection method: clinical testing. Allele origin: germline.

Labcorp Genetics (formerly Invitae), Labcorp
Classification: Uncertain significance for Familial episodic pain syndrome with predominantly lower limb involvement; Hereditary sensory and autonomic neuropathy type 7. Last evaluated: 2022-01-26. Review status: criteria provided, single submitter. Criteria: Invitae Variant Classification Sherloc (09022015). Collection method: clinical testing. Allele origin: germline.
Comment: In summary, the available evidence is currently insufficient to determine the role of this variant in disease. Therefore, it has been classified as a Variant of Uncertain Significance. Algorithms developed to predict the effect of missense changes on protein structure and function output the following: SIFT: "Tolerated"; PolyPhen-2: "Benign"; Align-GVGD: "Class C0". The valine amino acid residue is found in multiple mammalian species, which suggests that this missense change does not adversely affect protein function. This variant has not been reported in the literature in individuals affected with SCN11A-related conditions. This variant is present in population databases (no rsID available, gnomAD 0.003%). This sequence change replaces isoleucine, which is neutral and non-polar, with valine, which is neutral and non-polar, at codon 201 of the SCN11A protein (p.Ile201Val).

NM_001349253.2(SCN11A):c.601A>G (p.Ile201Val)

Gene: SCN11A (sodium voltage-gated channel alpha subunit 11; minus strand). Cytogenetic location: 3p22.2.
Variant type: single nucleotide variant.
Coding change: c.601A>G on transcript NM_001349253.2 (MANE Select); coding-DNA position 601, A replaced by G.
Protein change: p.Ile201Val; replaces isoleucine 201 with valine.
Molecular consequence: missense variant.
Genome position (GRCh38, 1-based): chr3:38,926,819, T>C on the plus strand (A>G on the coding strand, the complement: SCN11A is on the minus strand). VCF-style: chr3-38926819-T-C. GRCh37 (hg19) VCF-style: chr3-38968310-T-C.
Other names: c.601A>G, p.Ile201Val (NM_014139.3); short protein forms I201V.
Identifiers: ClinVar variation 1751107 (VCV001751107.8), dbSNP rs139915721, ClinGen allele CA72975473.
Genomic context (GRCh38, chr3:38,926,819, plus strand): 5'-TTTCCCACTCCAAGTCTCTTCAAAAACATCTTTAATATTCTTACGCTATTCCAATGACAA[T>C]GGAGTCCAGCCAGTTCCATGGATCTCGAAGGAAAGAAAACTCATCCAGAATGAAACCTCT-3'
Protein context (NP_001336182.1, residues 191-211): LRDPWNWLDS[Ile201Val]VIGIAIVSYI